The following is an entry in ClinVar:

ClinVar aggregate classification (germline): Likely benign. Review status: criteria provided, multiple submitters, no conflicts (2 of 4 stars). 3 submissions from 3 submitters: Likely benign (2). 1 of the submissions does not count toward it. Last evaluated 2025-02-08.

Conditions:
TERT-related disorder. Also called: TERT-related disorders; TERT-related condition.
Idiopathic Pulmonary Fibrosis. Also called: Idiopathic fibrosing alveolitis, chronic form; idiopathic fibrosing alveolitis. Identifiers: Orphanet 2032, MedGen C1800706, MeSH D054990, MONDO:0800504.
Dyskeratosis congenita, autosomal dominant 2. Identifiers: MedGen C3151443, MONDO:0013521, OMIM 613989.
Dyskeratosis congenita. Identifiers: Orphanet 1775, MedGen C0265965, MONDO:0015780.

Submissions (3):

Ambry Genetics
Classification: Likely benign for Dyskeratosis congenita. Last evaluated: 2025-02-08. Review status: criteria provided, single submitter. Criteria: Ambry Variant Classification Scheme 2023. Collection method: clinical testing. Allele origin: germline.

Labcorp Genetics (formerly Invitae), Labcorp
Classification: Likely benign for Dyskeratosis congenita, autosomal dominant 2; Idiopathic Pulmonary Fibrosis. Last evaluated: 2024-11-18. Review status: criteria provided, single submitter. Criteria: Invitae Variant Classification Sherloc (09022015). Collection method: clinical testing. Allele origin: germline.

PreventionGenetics, part of Exact Sciences
Classification: Likely benign for TERT-related condition. Last evaluated: 2021-05-26. Review status: no assertion criteria provided. Collection method: clinical testing. Allele origin: germline. Not counted in ClinVar's aggregate classification.
Comment: This variant is classified as likely benign based on ACMG/AMP sequence variant interpretation guidelines (Richards et al. 2015 PMID: 25741868, with internal and published modifications).

NM_198253.3(TERT):c.210C>T (p.Ser70=)

Genes: TERT (telomerase reverse transcriptase; minus strand), LOC110806263 (TERT 5' regulatory region; plus strand). Cytogenetic location: 5p15.33.
Variant type: single nucleotide variant.
Coding change: c.210C>T on transcript NM_198253.3 (MANE Select); coding-DNA position 210, C replaced by T.
Protein change: p.Ser70=; no amino-acid change (serine 70 retained).
Molecular consequence: synonymous variant. On other transcripts: non-coding transcript variant (2).
Genome position (GRCh38, 1-based): chr5:1,294,780, G>A on the plus strand (C>T on the coding strand, the complement: TERT is on the minus strand). VCF-style: chr5-1294780-G-A. GRCh37 (hg19) VCF-style: chr5-1294895-G-A.
Other names: c.210C>T, p.Ser70= (NM_001193376.3); c.210C>T (NM_198253.2).
Identifiers: ClinVar variation 1096655 (VCV001096655.12), dbSNP rs2126691359, ClinGen allele CA443005537.